The following is an entry in ClinVar:

NM_020937.4(FANCM):c.5233G>A (p.Val1745Ile)

Gene: FANCM (FA complementation group M; plus strand). Cytogenetic location: 14q21.2.
Variant type: single nucleotide variant.
Coding change: c.5233G>A on transcript NM_020937.4 (MANE Select); coding-DNA position 5233, G replaced by A.
Protein change: p.Val1745Ile; replaces valine 1745 with isoleucine.
Molecular consequence: missense variant.
Genome position (GRCh38, 1-based): chr14:45,189,255, G>A. VCF-style: chr14-45189255-G-A. GRCh37 (hg19) VCF-style: chr14-45658458-G-A.
Other names: c.5155G>A, p.Val1719Ile (NM_001308133.2); short protein forms V1719I, V1745I.
Identifiers: ClinVar variation 2911522 (VCV002911522.4), dbSNP rs2139298008, ClinGen allele CA389613043.

ClinVar aggregate classification (germline): Uncertain significance. Review status: criteria provided, multiple submitters, no conflicts (2 of 4 stars). 2 submissions from 2 submitters: Uncertain significance (2). Last evaluated 2026-08-25.

Conditions:
Fanconi anemia (FA). Also called: Fanconi's anemia. Identifiers: Orphanet 84, MedGen C0015625, MeSH D005199, MONDO:0019391.
Inborn genetic diseases. Identifiers: MedGen C0950123, MeSH D030342.

Allele frequency attached by ClinVar (database versions not stated): gnomAD exomes below 0.00001.
gnomAD v4.1: 1 of 1,613,974 alleles (0.000062%); highest among the groups gnomAD compares: Non-Finnish European, 0.000085%; no homozygotes.

Submissions (2):

Ambry Genetics
Classification: Uncertain significance for Inborn genetic diseases. Last evaluated: 2026-08-25. Review status: criteria provided, single submitter. Criteria: Ambry Variant Classification Scheme 2023. Collection method: clinical testing. Allele origin: germline.
Comment: The p.V1745I variant (also known as c.5233G>A), located in coding exon 20 of the FANCM gene, results from a G to A substitution at nucleotide position 5233. The valine at codon 1745 is replaced by isoleucine, an amino acid with highly similar properties. This amino acid position is conserved. In addition, this alteration is predicted to be tolerated by in silico analysis. Based on the available evidence, the clinical significance of this variant remains unclear.

Labcorp Genetics (formerly Invitae), Labcorp
Classification: Uncertain significance for Fanconi anemia. Last evaluated: 2024-01-19. Review status: criteria provided, single submitter. Criteria: Invitae Variant Classification Sherloc (09022015). Collection method: clinical testing. Allele origin: germline.
Comment: This sequence change replaces valine, which is neutral and non-polar, with isoleucine, which is neutral and non-polar, at codon 1745 of the FANCM protein (p.Val1745Ile). This variant is not present in population databases (gnomAD no frequency). This variant has not been reported in the literature in individuals affected with FANCM-related conditions. An algorithm developed to predict the effect of missense changes on protein structure and function (PolyPhen-2) suggests that this variant is likely to be tolerated. In summary, the available evidence is currently insufficient to determine the role of this variant in disease. Therefore, it has been classified as a Variant of Uncertain Significance.